The following is an entry in ClinVar:

NM_000059.4(BRCA2):c.6341C>G (p.Pro2114Arg)

Gene: BRCA2 (BRCA2 DNA repair associated; plus strand). Cytogenetic location: 13q13.1.
Variant type: single nucleotide variant.
Coding change: c.6341C>G on transcript NM_000059.4 (MANE Select); coding-DNA position 6341, C replaced by G.
Protein change: p.Pro2114Arg; replaces proline 2114 with arginine.
Molecular consequence: missense variant. On other transcripts: non-coding transcript variant (1), intron variant (2).
Genome position (GRCh38, 1-based): chr13:32,340,696, C>G. VCF-style: chr13-32340696-C-G. GRCh37 (hg19) VCF-style: chr13-32914833-C-G.
Other names: c.6341C>G, p.Pro2114Arg (NM_001406719.1, NM_001406720.1); c.1910-3862C>G (NM_001406721.1); c.425-3862C>G (NM_001406722.1); short protein forms P2114R.
Identifiers: ClinVar variation 2451519 (VCV002451519.3), dbSNP rs1593908321, ClinGen allele CA387789105.

ClinVar aggregate classification (germline): Uncertain significance (1 of 4 stars; one submission).

Conditions:
Hereditary cancer-predisposing syndrome. Also called: Neoplastic Syndromes, Hereditary; Tumor predisposition; Hereditary neoplastic syndrome; Hereditary Cancer Syndrome. Identifiers: Orphanet 140162, MedGen C0027672, MeSH D009386, MONDO:0015356.

Submission:

Ambry Genetics
Classification: Uncertain significance for Hereditary cancer-predisposing syndrome. Last evaluated: 2025-11-10. Review status: criteria provided, single submitter. Criteria: Ambry Variant Classification Scheme 2023. Collection method: clinical testing. Allele origin: germline.
Comment: The p.P2114R variant (also known as c.6341C>G), located in coding exon 10 of the BRCA2 gene, results from a C to G substitution at nucleotide position 6341. The proline at codon 2114 is replaced by arginine, an amino acid with dissimilar properties. This amino acid position is conserved. In addition, this alteration is predicted to be tolerated by in silico analysis. Since supporting evidence is limited at this time, the clinical significance of this alteration remains unclear.